The following is an entry in ClinVar:

ClinVar aggregate classification (germline): Conflicting classifications of pathogenicity. Review status: criteria provided, conflicting classifications (1 of 4 stars). 3 submissions from 3 submitters: Uncertain significance (2); Likely benign (1). Last evaluated 2025-09-25.

Conditions:
Developmental and epileptic encephalopathy, 5 (DEE5). Identifiers: Orphanet 3451, MedGen C3150731, MONDO:0013277, OMIM 613477.
Early-infantile DEE. Also called: Early infantile epileptic encephalopathy; Early infantile epileptic encephalopathy with suppression bursts; Ohtahara syndrome. Identifiers: Orphanet 1934, MedGen C0393706, MONDO:0800491.

Allele frequency attached by ClinVar (database versions not stated): gnomAD exomes below 0.00001 and 0.00001; gnomAD 0.00003; TOPMed 0.00003.
gnomAD v4.1: 16 of 1,614,090 alleles (0.00099%); highest among the groups gnomAD compares: Admixed American, 0.005%; no homozygotes.

Submissions (3):

Labcorp Genetics (formerly Invitae), Labcorp
Classification: Uncertain significance for Early-infantile DEE. Last evaluated: 2025-09-25. Review status: criteria provided, single submitter. Criteria: Invitae Variant Classification Sherloc (09022015). Collection method: clinical testing. Allele origin: germline.
Comment: This sequence change replaces cysteine, which is neutral and slightly polar, with tyrosine, which is neutral and polar, at codon 1314 of the SPTAN1 protein (p.Cys1314Tyr). This variant is present in population databases (rs776648566, gnomAD 0.0009%). This variant has not been reported in the literature in individuals affected with SPTAN1-related conditions. ClinVar contains an entry for this variant (Variation ID: 681787). Invitae Evidence Modeling of protein sequence and biophysical properties (such as structural, functional, and spatial information, amino acid conservation, physicochemical variation, residue mobility, and thermodynamic stability) has been performed for this missense variant. However, the output from this modeling did not meet the statistical confidence thresholds required to predict the impact of this variant on SPTAN1 protein function. In summary, the available evidence is currently insufficient to determine the role of this variant in disease. Therefore, it has been classified as a Variant of Uncertain Significance.

Genome-Nilou Lab
Classification: Uncertain significance for Developmental and epileptic encephalopathy, 5. Last evaluated: 2021-07-15. Review status: criteria provided, single submitter. Criteria: ACMG Guidelines, 2015. Collection method: clinical testing. Allele origin: germline. Affected: no.

GeneDx
Classification: Likely benign. Last evaluated: 2019-04-23. Review status: criteria provided, single submitter. Criteria: GeneDx Variant Classification Process June 2021. Collection method: clinical testing. Allele origin: germline. Affected: yes.

NM_001130438.3(SPTAN1):c.3941G>A (p.Cys1314Tyr)

Gene: SPTAN1 (spectrin alpha, non-erythrocytic 1; plus strand). Cytogenetic location: 9q34.11.
Variant type: single nucleotide variant.
Coding change: c.3941G>A on transcript NM_001130438.3 (MANE Select); coding-DNA position 3941, G replaced by A.
Protein change: p.Cys1314Tyr; replaces cysteine 1314 with tyrosine.
Molecular consequence: missense variant.
Genome position (GRCh38, 1-based): chr9:128,605,372, G>A. VCF-style: chr9-128605372-G-A. GRCh37 (hg19) VCF-style: chr9-131367651-G-A.
Other names: c.3881G>A, p.Cys1294Tyr (NM_001195532.2, NM_001363765.2); c.3941G>A, p.Cys1314Tyr (NM_001363759.2, NM_003127.4); short protein forms C1314Y, C1294Y.
Identifiers: ClinVar variation 681787 (VCV000681787.12), dbSNP rs776648566, ClinGen allele CA200395139.